The following is an entry in ClinVar:

ClinVar aggregate classification (germline): Likely pathogenic (1 of 4 stars; one submission).

Conditions:
Tyrosinemia type I (TYRSN1). Also called: Tyrosinemia type 1; Fumarylacetoacetase deficiency; Deficiency of fumarylacetoacetase; FAH DEFICIENCY; HEPATORENAL TYROSINEMIA. Identifiers: Orphanet 882, MedGen C0268490, MONDO:0010161, OMIM 276700. Disease mechanism: loss of function.

Submission:

Natera, Inc.
Classification: Likely pathogenic for Tyrosinemia type I. Last evaluated: 2025-01-06. Review status: criteria provided, single submitter. Criteria: Natera Variant Classification Schema (03/2026). Collection method: clinical testing. Allele origin: germline.
Comment: The c.57del variant in FAH is a frameshift variant predicted to shift the reading frame and introduce a stop codon. This variant is expected to result in nonsense mediated decay, truncation, or a dysfunctional protein product. This variant is rare in the general population with a frequency below the threshold expected for the associated phenotype(s). Given the available evidence, this variant is classified as Likely Pathogenic.

NM_000137.4(FAH):c.57del (p.Pro18_Tyr19insTer)

Gene: FAH (fumarylacetoacetate hydrolase; plus strand). Cytogenetic location: 15q25.1.
Variant type: Deletion.
Coding change: c.57del on transcript NM_000137.4 (MANE Select); coding-DNA position 57, one base deleted (C; older notation c.57delC).
Protein change: p.Pro18_Tyr19insTer.
Molecular consequence: nonsense.
Genome position (GRCh38, 1-based): chr15:80,153,111, C deleted. VCF-style (leftmost placement, unchanged base first): chr15-80153110-AC-A. GRCh37 (hg19) VCF-style: chr15-80445452-AC-A.
Other names: c.57del, p.Pro18_Tyr19insTer (NM_001374377.1, NM_001374380.1).
Identifiers: ClinVar variation 4067878 (VCV004067878.2).